The following is an entry in ClinVar:

ClinVar aggregate classification (germline): Benign/Likely benign. Review status: criteria provided, multiple submitters, no conflicts (2 of 4 stars). 4 submissions from 4 submitters: Benign (1); Likely benign (3). Last evaluated 2025-02-26.

Conditions:
Hereditary cancer-predisposing syndrome. Also called: Hereditary Cancer Syndrome; Neoplastic Syndromes, Hereditary; Tumor predisposition; Hereditary neoplastic syndrome. Identifiers: Orphanet 140162, MedGen C0027672, MeSH D009386, MONDO:0015356.
Hereditary breast ovarian cancer syndrome. Also called: Breast and ovarian cancer; Hereditary breast and ovarian cancer syndrome (HBOC); Hereditary breast and ovarian cancer; Hereditary breast and/or ovarian cancer syndrome; BRCA1- and BRCA2-Associated Hereditary Breast and Ovarian Cancer; Hereditary breast and ovarian cancer syndrome. Identifiers: Orphanet 145, MedGen C0677776, MeSH D061325, MONDO:0003582. Disease mechanism: loss of function.
Familial cancer of breast. Also called: Hereditary breast cancer; BREAST CANCER, FAMILIAL; hereditary breast carcinoma. Identifiers: Orphanet 227535, MedGen C0346153, MONDO:0016419, OMIM 114480. Disease mechanism: loss of function.

Allele frequency attached by ClinVar (database versions not stated): gnomAD exomes below 0.00001.
gnomAD v4.1: 1 of 1,614,142 alleles (0.000062%); highest among the groups gnomAD compares: Non-Finnish European, 0.000085%; no homozygotes.

Submissions (4):

Labcorp Genetics (formerly Invitae), Labcorp
Classification: Likely benign for Familial cancer of breast. Last evaluated: 2025-02-26. Review status: criteria provided, single submitter. Criteria: Invitae Variant Classification Sherloc (09022015). Collection method: clinical testing. Allele origin: germline.

German Consortium for Hereditary Breast and Ovarian Cancer, University Hospital Cologne
Classification: Likely benign for Hereditary breast ovarian cancer syndrome. Last evaluated: 2025-01-14. Review status: criteria provided, single submitter. Criteria: ACMG Guidelines, 2015. Collection method: curation. Allele origin: germline.
Comment: According to the ACMG SVI adaptation criteria we chose these criteria: PM2 (supporting pathogenic): gnomAD v.4: 6.195e-7, BP4 (supporting benign): spliceAI: 0.0, BP7 (supporting benign): synonymous, not conserved nucleotide (phyloP: -0.52)

Myriad Genetics, Inc.
Classification: Benign for Familial cancer of breast. Last evaluated: 2024-07-29. Review status: criteria provided, single submitter. Criteria: Myriad Autosomal Dominant, Autosomal Recessive and X-Linked Classification Criteria (2023). Collection method: clinical testing. Allele origin: unknown.
Comment: This variant is considered benign. This variant is a silent/synonymous amino acid change and it is not expected to impact splicing.

Ambry Genetics
Classification: Likely benign for Hereditary cancer-predisposing syndrome. Last evaluated: 2024-02-02. Review status: criteria provided, single submitter. Criteria: Ambry Variant Classification Scheme 2023. Collection method: clinical testing. Allele origin: germline.

NM_000465.4(BARD1):c.2100C>T (p.Gly700=)

Gene: BARD1 (BRCA1 associated RING domain 1; minus strand). Cytogenetic location: 2q35.
Variant type: single nucleotide variant.
Coding change: c.2100C>T on transcript NM_000465.4 (MANE Select); coding-DNA position 2100, C replaced by T.
Protein change: p.Gly700=; no amino-acid change (glycine 700 retained).
Molecular consequence: synonymous variant. On other transcripts: non-coding transcript variant (3).
Genome position (GRCh38, 1-based): chr2:214,728,910, G>A on the plus strand (C>T on the coding strand, the complement: BARD1 is on the minus strand). VCF-style: chr2-214728910-G-A. GRCh37 (hg19) VCF-style: chr2-215593634-G-A.
Other names: c.2043C>T, p.Gly681= (NM_001282543.2); c.747C>T, p.Gly249= (NM_001282545.2); c.690C>T, p.Gly230= (NM_001282548.2); c.561C>T, p.Gly187= (NM_001282549.2); c.2100C>T (NM_000465.2).
Identifiers: ClinVar variation 1020980 (VCV001020980.12), dbSNP rs1692220418, ClinGen allele CA431393759.